The following is an entry in ClinVar:

NM_001371727.1(GABRB2):c.1474C>T (p.Arg492Cys)

Gene: GABRB2 (gamma-aminobutyric acid type A receptor subunit beta2; minus strand). Cytogenetic location: 5q34.
Variant type: single nucleotide variant.
Coding change: c.1474C>T on transcript NM_001371727.1 (MANE Select); coding-DNA position 1474, C replaced by T.
Protein change: p.Arg492Cys; replaces arginine 492 with cysteine.
Molecular consequence: missense variant.
Genome position (GRCh38, 1-based): chr5:161,294,146, G>A on the plus strand (C>T on the coding strand, the complement: GABRB2 is on the minus strand). VCF-style: chr5-161294146-G-A. GRCh37 (hg19) VCF-style: chr5-160721153-G-A.
Other names: c.1360C>T, p.Arg454Cys (NM_000813.3); c.1474C>T, p.Arg492Cys (NM_021911.3); short protein forms R454C, R492C.
Identifiers: ClinVar variation 4799222 (VCV004799222.1).

ClinVar aggregate classification (germline): Uncertain significance (1 of 4 stars; one submission).

Conditions:
Intellectual disability. Also called: Intellectual functioning disability; intellectual disabilities; Intellectual developmental disorder. Identifiers: MedGen C3714756, MeSH D008607, MONDO:0001071, HP:0001249.

gnomAD v4.1: 2 of 1,614,056 alleles (0.00012%); highest among the groups gnomAD compares: Non-Finnish European, 0.00017%; no homozygotes.

Submission:

Labcorp Genetics (formerly Invitae), Labcorp
Classification: Uncertain significance for Intellectual disability. Last evaluated: 2025-02-12. Review status: criteria provided, single submitter. Criteria: Invitae Variant Classification Sherloc (09022015). Collection method: clinical testing. Allele origin: germline.
Comment: This sequence change replaces arginine, which is basic and polar, with cysteine, which is neutral and slightly polar, at codon 492 of the GABRB2 protein (p.Arg492Cys). This variant is not present in population databases (gnomAD no frequency). This variant has not been reported in the literature in individuals affected with GABRB2-related conditions. Invitae Evidence Modeling of protein sequence and biophysical properties (such as structural, functional, and spatial information, amino acid conservation, physicochemical variation, residue mobility, and thermodynamic stability) indicates that this missense variant is expected to disrupt GABRB2 protein function with a positive predictive value of 95%. In summary, the available evidence is currently insufficient to determine the role of this variant in disease. Therefore, it has been classified as a Variant of Uncertain Significance.